The following is an entry in ClinVar:

NM_000260.4(MYO7A):c.2297A>G (p.Lys766Arg)

Gene: MYO7A (myosin VIIA; plus strand). Cytogenetic location: 11q13.5.
Variant type: single nucleotide variant.
Coding change: c.2297A>G on transcript NM_000260.4 (MANE Select); coding-DNA position 2297, A replaced by G.
Protein change: p.Lys766Arg; replaces lysine 766 with arginine.
Molecular consequence: missense variant.
Genome position (GRCh38, 1-based): chr11:77,179,059, A>G. VCF-style: chr11-77179059-A-G. GRCh37 (hg19) VCF-style: chr11-76890105-A-G.
Other names: c.2297A>G, p.Lys766Arg (NM_001127180.2); c.2264A>G, p.Lys755Arg (NM_001369365.1); short protein forms K766R, K755R.
Identifiers: ClinVar variation 3712297 (VCV003712297.1).

ClinVar aggregate classification (germline): Uncertain significance (1 of 4 stars; one submission).

gnomAD v4.1: 1 of 1,607,656 alleles (0.000062%); highest among the groups gnomAD compares: African/African-American, 0.0013%; no homozygotes.

Submission:

Labcorp Genetics (formerly Invitae), Labcorp
Classification: Uncertain significance. Last evaluated: 2024-10-08. Review status: criteria provided, single submitter. Criteria: Invitae Variant Classification Sherloc (09022015). Collection method: clinical testing. Allele origin: germline.
Comment: This sequence change replaces lysine, which is basic and polar, with arginine, which is basic and polar, at codon 766 of the MYO7A protein (p.Lys766Arg). This variant is not present in population databases (gnomAD no frequency). This variant has not been reported in the literature in individuals affected with MYO7A-related conditions. Invitae Evidence Modeling of protein sequence and biophysical properties (such as structural, functional, and spatial information, amino acid conservation, physicochemical variation, residue mobility, and thermodynamic stability) indicates that this missense variant is not expected to disrupt MYO7A protein function with a negative predictive value of 95%. In summary, the available evidence is currently insufficient to determine the role of this variant in disease. Therefore, it has been classified as a Variant of Uncertain Significance.